The following is an entry in ClinVar:

NM_001271.4(CHD2):c.5041_5042dup (p.Met1681fs)

Gene: CHD2 (chromodomain helicase DNA binding protein 2; plus strand). Cytogenetic location: 15q26.1.
Variant type: Microsatellite.
Coding change: c.5041_5042dup on transcript NM_001271.4 (MANE Select); coding-DNA positions 5041 to 5042, 2 bases duplicated (AT; older notation c.5041_5042dupAT).
Protein change: p.Met1681fs; shifts the reading frame from methionine 1681.
Molecular consequence: frameshift variant.
Genome position (GRCh38, 1-based): chr15:93,020,146-93,020,147, AT duplicated; duplicating any 2 consecutive bases within chr15:93,020,144-93,020,147 gives the same sequence; the c. name uses the placement nearest the transcript's 3' end. VCF-style (leftmost placement, unchanged base first): chr15-93020143-C-CAT. GRCh37 (hg19) VCF-style: chr15-93563373-C-CAT.
Other names: short protein forms M1681fs.
Identifiers: ClinVar variation 2064268 (VCV002064268.4), dbSNP rs2141895289, ClinGen allele CA2580613338.
Genomic context (GRCh38, chr15:93,020,143, plus strand): 5'-GACAGGCACCATCAGTATGAGCAGCACTGGTACAAGGACCACCATTATGGGGACCGGCGA[C>CAT]ATATGGATGCCCACCGTTCCGGAAGCTATCGACCCAACAACATGTCCAGAAAGAGGCCTT-3'

ClinVar aggregate classification (germline): Uncertain significance (1 of 4 stars; one submission).

Conditions:
Developmental and epileptic encephalopathy 94 (DEE94). Also called: CHD2-Related Neurodevelopmental Disorders; Epileptic encephalopathy, childhood-onset. Identifiers: Orphanet 1942, Orphanet 2382, MedGen C3809278, MONDO:0014150, OMIM 615369.

Submission:

Labcorp Genetics (formerly Invitae), Labcorp
Classification: Uncertain significance for Developmental and epileptic encephalopathy 94. Last evaluated: 2022-01-07. Review status: criteria provided, single submitter. Criteria: Invitae Variant Classification Sherloc (09022015). Collection method: clinical testing. Allele origin: germline.
Comment: This sequence change creates a premature translational stop signal (p.Met1681Ilefs*134) in the CHD2 gene. While this is not anticipated to result in nonsense mediated decay, it is expected to disrupt the last 148 amino acid(s) of the CHD2 protein. This variant is not present in population databases (gnomAD no frequency). This variant has not been reported in the literature in individuals affected with CHD2-related conditions. Experimental studies and prediction algorithms are not available or were not evaluated, and the functional significance of this variant is currently unknown. In summary, the available evidence is currently insufficient to determine the role of this variant in disease. Therefore, it has been classified as a Variant of Uncertain Significance.